The following is an entry in ClinVar:

ClinVar aggregate classification (germline): Uncertain significance (1 of 4 stars; one submission).

Allele frequency attached by ClinVar (database versions not stated): ExAC 0.00001; gnomAD exomes 0.00001; gnomAD 0.00003; TOPMed 0.00003.
gnomAD v4.1: 11 of 1,606,834 alleles (0.00068%); highest among the groups gnomAD compares: African/African-American, 0.015%; no homozygotes.

Submission:

Ambry Genetics
Classification: Uncertain significance. Last evaluated: 2024-05-01. Review status: criteria provided, single submitter. Criteria: Ambry Variant Classification Scheme 2023. Collection method: clinical testing. Allele origin: germline.
Comment: The p.C973R variant (also known as c.2917T>C), located in coding exon 23 of the BUB1 gene, results from a T to C substitution at nucleotide position 2917. The cysteine at codon 973 is replaced by arginine, an amino acid with highly dissimilar properties. This amino acid position is conserved. In addition, this alteration is predicted to be deleterious by in silico analysis. Since supporting evidence is limited at this time, the clinical significance of this alteration remains unclear.

NM_004336.5(BUB1):c.2917T>C (p.Cys973Arg)

Gene: BUB1 (BUB1 mitotic checkpoint serine/threonine kinase; minus strand). Cytogenetic location: 2q13.
Variant type: single nucleotide variant.
Coding change: c.2917T>C on transcript NM_004336.5 (MANE Select); coding-DNA position 2917, T replaced by C.
Protein change: p.Cys973Arg; replaces cysteine 973 with arginine.
Molecular consequence: missense variant.
Genome position (GRCh38, 1-based): chr2:110,641,072, A>G on the plus strand (T>C on the coding strand, the complement: BUB1 is on the minus strand). VCF-style: chr2-110641072-A-G. GRCh37 (hg19) VCF-style: chr2-111398649-A-G.
Other names: c.2857T>C, p.Cys953Arg (NM_001278616.2); c.2746T>C, p.Cys916Arg (NM_001278617.2); short protein forms C953R, C973R, C916R.
Identifiers: ClinVar variation 1797645 (VCV001797645.3), dbSNP rs756492928, ClinGen allele CA1827694.